The following is an entry in ClinVar:

ClinVar aggregate classification (germline): Likely benign. Review status: criteria provided, multiple submitters, no conflicts (2 of 4 stars). 6 submissions from 6 submitters: Likely benign (6). Last evaluated 2025-02-16.

Conditions:
Familial thoracic aortic aneurysm and aortic dissection (TAAD). Also called: Thoracic aortic aneurysms and dissections. Identifiers: Orphanet 91387, MedGen C4707243, MONDO:0019625.
Marfan syndrome (MFS). Also called: MARFAN SYNDROME, TYPE I; Marfan syndrome type 1; Marfan's syndrome; Marfan syndrome, classic; FBN1-Related Marfan Syndrome. Identifiers: Orphanet 284963, Orphanet 558, MedGen C0024796, MONDO:0007947, OMIM 154700.

Allele frequency attached by ClinVar (database versions not stated): gnomAD 0.00001; TOPMed 0.00002; ExAC 0.00003; gnomAD exomes 0.00003.
gnomAD v4.1: 13 of 1,614,014 alleles (0.00081%); highest among the groups gnomAD compares: East Asian, 0.013%; no homozygotes.

Submissions (6):

Labcorp Genetics (formerly Invitae), Labcorp
Classification: Likely benign for Marfan syndrome; Familial thoracic aortic aneurysm and aortic dissection. Last evaluated: 2025-02-16. Review status: criteria provided, single submitter. Criteria: Invitae Variant Classification Sherloc (09022015). Collection method: clinical testing. Allele origin: germline.

All of Us Research Program, National Institutes of Health
Classification: Likely benign for Marfan syndrome. Last evaluated: 2024-08-13. Review status: criteria provided, single submitter. Criteria: ACMG Guidelines, 2015. Collection method: clinical testing. Allele origin: germline. Inheritance: Autosomal dominant inheritance. Observed: 3 variant alleles, 3 heterozygotes.
Comment: This study involves interpretation of variants in research participants for the purpose of population health screening. Participant phenotype was not available at the time of variant classification. Additional details can be found in publication PMID: 35346344, PMCID: PMC8962531

Blueprint Genetics
Classification: Likely benign. Last evaluated: 2023-12-19. Review status: criteria provided, single submitter. Criteria: ACMG Guidelines, 2015. Collection method: clinical testing. Allele origin: germline.

Ambry Genetics
Classification: Likely benign for Familial thoracic aortic aneurysm and aortic dissection. Last evaluated: 2022-12-23. Review status: criteria provided, single submitter. Criteria: Ambry Variant Classification Scheme 2023. Collection method: clinical testing. Allele origin: germline.

CeGaT Center for Human Genetics Tuebingen
Classification: Likely benign. Last evaluated: 2022-03-01. Review status: criteria provided, single submitter. Criteria: CeGaT Center For Human Genetics Tuebingen Variant Classification Criteria Version 2. Collection method: clinical testing. Allele origin: germline. Affected: yes. Observed: 1 variant allele.
Comment: FBN1: BP4, BP7

Color Diagnostics, LLC DBA Color Health
Classification: Likely benign for Familial thoracic aortic aneurysm and aortic dissection. Last evaluated: 2018-07-15. Review status: criteria provided, single submitter. Criteria: ACMG Guidelines, 2015. Collection method: clinical testing. Allele origin: germline.

NM_000138.5(FBN1):c.7836C>T (p.Leu2612=)

Gene: FBN1 (fibrillin 1; minus strand). Cytogenetic location: 15q21.1.
Variant type: single nucleotide variant.
Coding change: c.7836C>T on transcript NM_000138.5 (MANE Select); coding-DNA position 7836, C replaced by T.
Protein change: p.Leu2612=; no amino-acid change (leucine 2612 retained).
Molecular consequence: synonymous variant.
Genome position (GRCh38, 1-based): chr15:48,415,751, G>A on the plus strand (C>T on the coding strand, the complement: FBN1 is on the minus strand). VCF-style: chr15-48415751-G-A. GRCh37 (hg19) VCF-style: chr15-48707948-G-A.
Identifiers: ClinVar variation 628885 (VCV000628885.37), dbSNP rs756689495, ClinGen allele CA059260.